The following is an entry in ClinVar:

NM_001698.3(AUH):c.713T>C (p.Phe238Ser)

Gene: AUH (AU RNA binding methylglutaconyl-CoA hydratase; minus strand). Cytogenetic location: 9q22.31.
Variant type: single nucleotide variant.
Coding change: c.713T>C on transcript NM_001698.3 (MANE Select); coding-DNA position 713, T replaced by C.
Protein change: p.Phe238Ser; replaces phenylalanine 238 with serine.
Molecular consequence: missense variant.
Genome position (GRCh38, 1-based): chr9:91,220,935, A>G on the plus strand (T>C on the coding strand, the complement: AUH is on the minus strand). VCF-style: chr9-91220935-A-G. GRCh37 (hg19) VCF-style: chr9-93983217-A-G.
Other names: c.626T>C, p.Phe209Ser (NM_001306190.2); c.386T>C, p.Phe129Ser (NM_001351431.2, NM_001351432.2, NM_001351433.2); short protein forms F129S, F209S, F238S.
Identifiers: ClinVar variation 640614 (VCV000640614.9), dbSNP rs1587621572, ClinGen allele CA373835264.

ClinVar aggregate classification (germline): Uncertain significance (1 of 4 stars; one submission).

Conditions:
3-methylglutaconic aciduria type 1 (MGCA1). Identifiers: Orphanet 67046, MedGen C0342727, MONDO:0009610, OMIM 250950.

Submission:

Labcorp Genetics (formerly Invitae), Labcorp
Classification: Uncertain significance for 3-methylglutaconic aciduria type 1. Last evaluated: 2024-04-13. Review status: criteria provided, single submitter. Criteria: Invitae Variant Classification Sherloc (09022015). Collection method: clinical testing. Allele origin: germline.
Comment: This sequence change replaces phenylalanine, which is neutral and non-polar, with serine, which is neutral and polar, at codon 238 of the AUH protein (p.Phe238Ser). This variant is not present in population databases (gnomAD no frequency). This variant has not been reported in the literature in individuals affected with AUH-related conditions. ClinVar contains an entry for this variant (Variation ID: 640614). Advanced modeling of protein sequence and biophysical properties (such as structural, functional, and spatial information, amino acid conservation, physicochemical variation, residue mobility, and thermodynamic stability) performed at Invitae indicates that this missense variant is expected to disrupt AUH protein function with a positive predictive value of 80%. In summary, the available evidence is currently insufficient to determine the role of this variant in disease. Therefore, it has been classified as a Variant of Uncertain Significance.